The following is an entry in ClinVar:

ClinVar aggregate classification (germline): Conflicting classifications of pathogenicity. Review status: criteria provided, conflicting classifications (1 of 4 stars). 7 submissions from 7 submitters: Uncertain significance (1); Benign (1); Likely benign (4). 1 of the submissions does not count toward it. Last evaluated 2024-04-17.

Conditions:
Usher syndrome type 1C. Also called: USHER SYNDROME, TYPE I, ACADIAN VARIETY. Identifiers: Orphanet 231169, Orphanet 886, MedGen C1848604, MONDO:0010171, OMIM 276904.
Autosomal recessive nonsyndromic hearing loss 18A. Also called: Deafness, autosomal recessive 18A; DEAFNESS, AUTOSOMAL RECESSIVE 18. Identifiers: Orphanet 90636, MedGen C1865870, MONDO:0011192, OMIM 602092.

Allele frequency attached by ClinVar (database versions not stated): TOPMed 0.00005; ESP Exome Variant Server 0.00008; gnomAD 0.00009; gnomAD exomes 0.00019; ExAC 0.00021.
gnomAD v4.1: 283 of 1,613,970 alleles (0.018%); highest among the groups gnomAD compares: South Asian, 0.098%; 2 homozygotes.

Submissions (7):

Women's Health and Genetics/Laboratory Corporation of America, LabCorp
Classification: Likely benign. Last evaluated: 2024-04-17. Review status: criteria provided, single submitter. Criteria: LabCorp Variant Classification Summary - May 2015. Collection method: clinical testing. Allele origin: germline.

Blueprint Genetics
Classification: Likely benign. Last evaluated: 2024-01-29. Review status: criteria provided, single submitter. Criteria: ACMG Guidelines, 2015. Collection method: clinical testing. Allele origin: germline.

CeGaT Center for Human Genetics Tuebingen
Classification: Likely benign. Last evaluated: 2022-12-01. Review status: criteria provided, single submitter. Criteria: CeGaT Center For Human Genetics Tuebingen Variant Classification Criteria Version 2. Collection method: clinical testing. Allele origin: germline. Affected: yes. Observed: 1 variant allele.
Comment: USH1C: BP4, BP7

Labcorp Genetics (formerly Invitae), Labcorp
Classification: Benign. Last evaluated: 2020-07-08. Review status: criteria provided, single submitter. Criteria: Invitae Variant Classification Sherloc (09022015). Collection method: clinical testing. Allele origin: germline.

Laboratory for Molecular Medicine, Mass General Brigham Personalized Medicine
Classification: Likely benign. Last evaluated: 2016-03-22. Review status: criteria provided, single submitter. Criteria: LMM Criteria. Collection method: clinical testing. Allele origin: germline. Observed: 1 variant allele.
Comment: p.Ser708Ser in Exon 19 of USH1C: This variant is not expected to have clinical s ignificance because it does not alter an amino acid residue, is not located with in the splice consensus sequence, and has been identified in 0.1% (15 /16370) of South Asian chromosomes by the Exome Aggregation Consortium (ExAC.; dbSNP rs369021714).

Eurofins Ntd Llc (ga)
Classification: Uncertain significance. Last evaluated: 2015-09-22. Review status: criteria provided, single submitter. Criteria: EGL Classification Definitions 2015. Collection method: clinical testing. Allele origin: germline. Observed: 1 variant allele, 1 heterozygote.

Counsyl
Classification: Likely benign for Usher syndrome type 1C; Autosomal recessive nonsyndromic hearing loss 18A. Last evaluated: 2017-02-23. Review status: no assertion criteria provided. Collection method: clinical testing. Allele origin: unknown. Not counted in ClinVar's aggregate classification.

NM_153676.4(USH1C):c.2124T>C (p.Ser708=)

Gene: USH1C (USH1 protein network component harmonin; minus strand). Cytogenetic location: 11p15.1.
Variant type: single nucleotide variant.
Coding change: c.2124T>C on transcript NM_153676.4 (MANE Select); coding-DNA position 2124, T replaced by C.
Protein change: p.Ser708=; no amino-acid change (serine 708 retained).
Molecular consequence: synonymous variant. On other transcripts: intron variant (2).
Genome position (GRCh38, 1-based): chr11:17,505,839, A>G on the plus strand (T>C on the coding strand, the complement: USH1C is on the minus strand). VCF-style: chr11-17505839-A-G. GRCh37 (hg19) VCF-style: chr11-17527386-A-G.
Other names: c.1228-3859T>C (NM_001297764.2); c.1285-3859T>C (NM_005709.4).
Identifiers: ClinVar variation 228194 (VCV000228194.43), dbSNP rs369021714, ClinGen allele CA5904355.